The following is an entry in ClinVar:

ClinVar aggregate classification (germline): Uncertain significance (1 of 4 stars; one submission).

Conditions:
Multiple acyl-CoA dehydrogenase deficiency (MADD). Also called: Glutaric aciduria, type 2; Glutaric acidemia type II; GA 2; ETHYLMALONIC-ADIPICACIDURIA; GA II; Glutaric Acidemia type 2. Identifiers: Orphanet 26791, MedGen C0268596, MONDO:0009282, OMIM 231680.

Submission:

MGZ Medical Genetics Center
Classification: Uncertain significance for Multiple acyl-CoA dehydrogenase deficiency. Last evaluated: 2022-07-25. Review status: criteria provided, single submitter. Criteria: ACMG Guidelines, 2015. Collection method: clinical testing. Allele origin: germline. Affected: yes. Observed: 1 variant allele.
Comment: ACMG criteria applied: PM5, PM2_SUP, PP3

NM_004453.4(ETFDH):c.784T>G (p.Leu262Val)

Gene: ETFDH (electron transfer flavoprotein dehydrogenase; plus strand). Cytogenetic location: 4q32.1.
Variant type: single nucleotide variant.
Coding change: c.784T>G on transcript NM_004453.4 (MANE Select); coding-DNA position 784, T replaced by G.
Protein change: p.Leu262Val; replaces leucine 262 with valine.
Molecular consequence: missense variant.
Genome position (GRCh38, 1-based): chr4:158,695,596, T>G. VCF-style: chr4-158695596-T-G. GRCh37 (hg19) VCF-style: chr4-159616748-T-G.
Other names: c.643T>G, p.Leu215Val (NM_001281737.2); c.601T>G, p.Leu201Val (NM_001281738.1); short protein forms L201V, L215V, L262V.
Identifiers: ClinVar variation 1709659 (VCV001709659.2), dbSNP rs2479111360, ClinGen allele CA358560893.
Genomic context (GRCh38, chr4:158,695,596, plus strand): 5'-ACAATTTTTGCAGAAGGTTGCCATGGACATCTAGCCAAGCAACTATATAAGAAGTTTGAT[T>G]TGAGAGCAAATTGTGAACCTCAAACCTACGGGATTGGACTGAAGGAGGTATCCTGGTTTG-3'
Protein context (NP_004444.2, residues 252-272): LAKQLYKKFD[Leu262Val]RANCEPQTYG